The following is an entry in ClinVar:

ClinVar aggregate classification (germline): Likely benign. Review status: criteria provided, multiple submitters, no conflicts (2 of 4 stars). 2 submissions from 2 submitters: Likely benign (2). Last evaluated 2025-10-22.

Conditions:
Seizures, benign familial infantile, 3 (BFIS3). Also called: Familial neonatal seizures; CONVULSIONS, BENIGN FAMILIAL INFANTILE, 3. Identifiers: Orphanet 140927, Orphanet 306, MedGen C1843140, MONDO:0011904, OMIM 607745.
Developmental and epileptic encephalopathy, 11 (DEE11). Also called: Early infantile epileptic encephalopathy 11. Identifiers: Orphanet 1934, MedGen C3150987, MONDO:0013388, OMIM 613721.

Allele frequency attached by ClinVar (database versions not stated): gnomAD 0.00001; TOPMed 0.00001; ExAC 0.00002; gnomAD exomes 0.00002.
gnomAD v4.1: 21 of 1,613,090 alleles (0.0013%); highest among the groups gnomAD compares: Non-Finnish European, 0.0015%; no homozygotes.

Submissions (2):

Labcorp Genetics (formerly Invitae), Labcorp
Classification: Likely benign for Seizures, benign familial infantile, 3; Developmental and epileptic encephalopathy, 11. Last evaluated: 2025-10-22. Review status: criteria provided, single submitter. Criteria: Invitae Variant Classification Sherloc (09022015). Collection method: clinical testing. Allele origin: germline.

CeGaT Center for Human Genetics Tuebingen
Classification: Likely benign. Last evaluated: 2024-05-01. Review status: criteria provided, single submitter. Criteria: CeGaT Center For Human Genetics Tuebingen Variant Classification Criteria Version 2. Collection method: clinical testing. Allele origin: germline. Affected: yes. Observed: 3 variant alleles.
Comment: SCN2A: BP4, BP7

NM_001040142.2(SCN2A):c.1623G>A (p.Leu541=)

Gene: SCN2A (sodium voltage-gated channel alpha subunit 2; plus strand). Cytogenetic location: 2q24.3.
Variant type: single nucleotide variant.
Coding change: c.1623G>A on transcript NM_001040142.2 (MANE Select); coding-DNA position 1623, G replaced by A.
Protein change: p.Leu541=; no amino-acid change (leucine 541 retained).
Molecular consequence: synonymous variant.
Genome position (GRCh38, 1-based): chr2:165,315,710, G>A. VCF-style: chr2-165315710-G-A. GRCh37 (hg19) VCF-style: chr2-166172220-G-A.
Other names: c.1623G>A, p.Leu541= (NM_001040143.2, NM_001371246.1, NM_001371247.1 and 1 more transcripts).
Identifiers: ClinVar variation 444525 (VCV000444525.51), dbSNP rs753341735, ClinGen allele CA1939846.